The following is an entry in ClinVar:

NM_003482.4(KMT2D):c.4346A>G (p.Asp1449Gly)

Gene: KMT2D (lysine methyltransferase 2D; minus strand). Cytogenetic location: 12q13.12.
Variant type: single nucleotide variant.
Coding change: c.4346A>G on transcript NM_003482.4 (MANE Select); coding-DNA position 4346, A replaced by G.
Protein change: p.Asp1449Gly; replaces aspartic acid 1449 with glycine.
Molecular consequence: missense variant.
Genome position (GRCh38, 1-based): chr12:49,046,681, T>C on the plus strand (A>G on the coding strand, the complement: KMT2D is on the minus strand). VCF-style: chr12-49046681-T-C. GRCh37 (hg19) VCF-style: chr12-49440464-T-C.
Other names: short protein forms D1449G.
Identifiers: ClinVar variation 4801246 (VCV004801246.1).
Genomic context (GRCh38, chr12:49,046,681, plus strand): 5'-CAGCCGCCCTTGGGGACGGTGAGCAGTGGGGGGTCCAGGCAGTATGTGTGGTAGCTAATA[T>C]CACAGTCATCACAGAGCAGCAGGCGTGAGGGGTCGGAGGCCTGGCCACACACCTCACACA-3'
Protein context (NP_003473.3, residues 1439-1459): PSRLLLCDDC[Asp1449Gly]ISYHTYCLDP

ClinVar aggregate classification (germline): Uncertain significance (1 of 4 stars; one submission).

Conditions:
Kabuki syndrome. Also called: NIIKAWA-KUROKI SYNDROME; Kabuki make-up syndrome. Identifiers: Orphanet 2322, MedGen C0796004, MONDO:0016512.

Submission:

Labcorp Genetics (formerly Invitae), Labcorp
Classification: Uncertain significance for Kabuki syndrome. Last evaluated: 2025-03-16. Review status: criteria provided, single submitter. Criteria: Invitae Variant Classification Sherloc (09022015). Collection method: clinical testing. Allele origin: germline.
Comment: This sequence change replaces aspartic acid, which is acidic and polar, with glycine, which is neutral and non-polar, at codon 1449 of the KMT2D protein (p.Asp1449Gly). This variant is not present in population databases (gnomAD no frequency). This variant has not been reported in the literature in individuals affected with KMT2D-related conditions. Invitae Evidence Modeling of protein sequence and biophysical properties (such as structural, functional, and spatial information, amino acid conservation, physicochemical variation, residue mobility, and thermodynamic stability) has been performed for this missense variant. However, the output from this modeling did not meet the statistical confidence thresholds required to predict the impact of this variant on KMT2D protein function. In summary, the available evidence is currently insufficient to determine the role of this variant in disease. Therefore, it has been classified as a Variant of Uncertain Significance.